The following is an entry in ClinVar:

NM_032043.3(BRIP1):c.568G>C (p.Gly190Arg)

Gene: BRIP1 (BRCA1 interacting DNA helicase 1; minus strand). Cytogenetic location: 17q23.2.
Variant type: single nucleotide variant.
Coding change: c.568G>C on transcript NM_032043.3 (MANE Select); coding-DNA position 568, G replaced by C.
Protein change: p.Gly190Arg; replaces glycine 190 with arginine.
Molecular consequence: missense variant.
Genome position (GRCh38, 1-based): chr17:61,847,160, C>G on the plus strand (G>C on the coding strand, the complement: BRIP1 is on the minus strand). VCF-style: chr17-61847160-C-G. GRCh37 (hg19) VCF-style: chr17-59924521-C-G.
Other names: short protein forms G190R.
Identifiers: ClinVar variation 1749071 (VCV001749071.2), dbSNP rs2145743494, ClinGen allele CA400483072.

ClinVar aggregate classification (germline): Uncertain significance (1 of 4 stars; one submission).

Conditions:
Hereditary cancer-predisposing syndrome. Also called: Hereditary Cancer Syndrome; Hereditary neoplastic syndrome; Neoplastic Syndromes, Hereditary; Tumor predisposition. Identifiers: Orphanet 140162, MedGen C0027672, MeSH D009386, MONDO:0015356.

Submission:

Ambry Genetics
Classification: Uncertain significance for Hereditary cancer-predisposing syndrome. Last evaluated: 2020-11-23. Review status: criteria provided, single submitter. Criteria: Ambry Variant Classification Scheme 2023. Collection method: clinical testing. Allele origin: germline.
Comment: The p.G190R variant (also known as c.568G>C), located in coding exon 5 of the BRIP1 gene, results from a G to C substitution at nucleotide position 568. The glycine at codon 190 is replaced by arginine, an amino acid with dissimilar properties. This amino acid position is not well conserved in available vertebrate species. In addition, this alteration is predicted to be tolerated by in silico analysis. Since supporting evidence is limited at this time, the clinical significance of this alteration remains unclear.